The following is an entry in ClinVar:

ClinVar aggregate classification (germline): Uncertain significance (1 of 4 stars; one submission).

Allele frequency attached by ClinVar (database versions not stated): ExAC 0.00001; ESP Exome Variant Server 0.00008.

Submission:

CeGaT Center for Human Genetics Tuebingen
Classification: Uncertain significance. Last evaluated: 2022-05-01. Review status: criteria provided, single submitter. Criteria: CeGaT Center For Human Genetics Tuebingen Variant Classification Criteria Version 2. Collection method: clinical testing. Allele origin: germline. Affected: yes. Observed: 1 variant allele.
Comment: RYR1: PM2

NM_000540.3(RYR1):c.7420C>G (p.Leu2474Val)

Gene: RYR1 (ryanodine receptor 1; plus strand). Cytogenetic location: 19q13.2.
Variant type: single nucleotide variant.
Coding change: c.7420C>G on transcript NM_000540.3 (MANE Select); coding-DNA position 7420, C replaced by G.
Protein change: p.Leu2474Val; replaces leucine 2474 with valine.
Molecular consequence: missense variant.
Genome position (GRCh38, 1-based): chr19:38,500,702, C>G. VCF-style: chr19-38500702-C-G. GRCh37 (hg19) VCF-style: chr19-38991342-C-G.
Other names: c.7420C>G, p.Leu2474Val (NM_001042723.2); short protein forms L2474V.
Identifiers: ClinVar variation 2649801 (VCV002649801.24), dbSNP rs375128412, ClinGen allele CA069613.